The following is an entry in ClinVar:

ClinVar aggregate classification (germline): Pathogenic/Likely pathogenic. Review status: criteria provided, multiple submitters, no conflicts (2 of 4 stars). 6 submissions from 6 submitters: Pathogenic (2); Likely pathogenic (3). 1 of the submissions does not count toward it. Last evaluated 2026-09-01.

Conditions:
Childhood hypophosphatasia. Identifiers: Orphanet 247667, Orphanet 436, MedGen C0220743, MONDO:1010168, OMIM 241510, MONDO:0009428.
Infantile hypophosphatasia. Identifiers: Orphanet 247651, Orphanet 436, MedGen C0268412, MONDO:1010169, OMIM 241500, MONDO:0009427.
Adult hypophosphatasia. Identifiers: Orphanet 247676, Orphanet 436, MedGen C0268413, MONDO:1010154, OMIM 146300, MONDO:0007798.
ALPL-related disorder. Also called: ALPL-related condition; ALPL-related disorders.
Hypophosphatasia. Also called: Phosphoethanol-aminuria. Identifiers: Orphanet 436, MedGen C0020630, MeSH D007014, MONDO:0018570.

Allele frequency attached by ClinVar (database versions not stated): gnomAD 0.00001.

Submissions (6):

Genomenon, Inc
Classification: Pathogenic for Hypophosphatasia. Last evaluated: 2026-09-01. Review status: criteria provided, single submitter. Criteria: Genomenon Sequence Variant Interpretation Standards - Updated. Collection method: curation. Allele origin: germline. Affected: yes.
Comment: ALPL p.His341Arg (c.1022A>G) is a missense variant that changes the amino acid at codon 341 from Histidine to Arginine. This variant has been observed in at least one proband affected with an ALPL-related disorder (PMID:24276437). At least one functional study has demonstrated a substantial alteration in protein function relative to the wild-type (PMID:32160374). The variant is located in a mutational hotspot and/or important functional domain. It is absent or not present at a significant frequency in gnomAD. In silico models predict that this variant is possibly or probably damaging. In conclusion, we classify ALPL p.His341Arg (c.1022A>G) as a pathogenic variant.

PreventionGenetics, part of Exact Sciences
Classification: Likely pathogenic for ALPL-related condition. Last evaluated: 2026-07-10. Review status: criteria provided, single submitter. Criteria: ACMG Guidelines, 2015. Collection method: clinical testing. Allele origin: germline.
Comment: The ALPL c.1022A>G variant is predicted to result in the amino acid substitution p.His341Arg. This variant has been reported in the heterozygous state in a fetus with upper-limb shortening (<3rd percentile) and angulation and in the mother, who had low alkaline phosphatase levels and tooth decay but no tooth loss or gum disease (Sperelakis-Beedham et al. 2021; PubMed ID: 33549410). This variant has also been reported with a second ALPL variant in an individual with perinatal hypophosphatasia (reported as p.H324R based on legacy nomenclature; Taketani et al. 2014; PubMed ID: 24276437). In addition, a different substitution affecting the same amino acid residue (p.His341Gln) was observed in two siblings with hypophosphatasia (Jandl et al. 2021; PubMed ID: 33191482). In a functional study, both the p.His341Arg and p.His341Gln substitutions reduced alkaline phosphatase activity to <5% of wild-type levels (Table S1; Del Angel et al. 2020; PubMed ID: 32160374). This variant is present in 0.029% of alleles in individuals of European (Finnish) ancestry in gnomAD. Taken together, this variant is interpreted as likely pathogenic.

Labcorp Genetics (formerly Invitae), Labcorp
Classification: Pathogenic. Last evaluated: 2025-12-23. Review status: criteria provided, single submitter. Criteria: Invitae Variant Classification Sherloc (09022015). Collection method: clinical testing. Allele origin: germline.
Comment: This sequence change replaces histidine, which is basic and polar, with arginine, which is basic and polar, at codon 341 of the ALPL protein (p.His341Arg). This variant is present in population databases (no rsID available, gnomAD 0.03%). This missense change has been observed in individual(s) with hypophosphatasia (PMID: 24276437). In at least one individual the data is consistent with being in trans (on the opposite chromosome) from a pathogenic variant. ClinVar contains an entry for this variant (Variation ID: 1003680). Invitae Evidence Modeling of protein sequence and biophysical properties (such as structural, functional, and spatial information, amino acid conservation, physicochemical variation, residue mobility, and thermodynamic stability) indicates that this missense variant is expected to disrupt ALPL protein function with a positive predictive value of 95%. Experimental studies have shown that this missense change affects ALPL function (PMID: 32160374). For these reasons, this variant has been classified as Pathogenic.

Fulgent Genetics
Classification: Likely pathogenic for Adult hypophosphatasia; Infantile hypophosphatasia; Childhood hypophosphatasia. Last evaluated: 2024-05-02. Review status: criteria provided, single submitter. Criteria: ACMG Guidelines, 2015. Collection method: clinical testing. Allele origin: germline.

Women's Health and Genetics/Laboratory Corporation of America, LabCorp
Classification: Likely pathogenic for Hypophosphatasia. Last evaluated: 2023-04-21. Review status: criteria provided, single submitter. Criteria: LabCorp Variant Classification Summary - May 2015. Collection method: clinical testing. Allele origin: germline.
Comment: Variant summary: ALPL c.1022A>G (p.His341Arg) results in a non-conservative amino acid change in the encoded protein sequence. Five of five in-silico tools predict a damaging effect of the variant on protein function. The variant allele was found at a frequency of 6.6e-06 in 150966 control chromosomes (gnomAD v3.1.2). c.1022A>G has been reported in the literature in individuals affected with Hypophosphatasia with evidence supporting an autosomal dominant mode of inheritance: one lethal perinatal case in a compound heterozygote (Taketani_2014) and one heterozygous family with moderate hypophosphatasia in an affected mother and fetus with abnormal bone structure (Sperelakis-Beedham_2021). These data indicate that the variant may be associated with disease. In vitro assays measuring TNSALP [tissue nonspecific alkaline phosphatase] enzymatic activity found that the variant had 4% residual activity when expressed alone in MDCK II cells, and 38% residual activity when co-expressed with WT ALPL, qualifying the variant as a Dominant-negative effect allele (Del Angel_2020). Two ClinVar submitters have assessed the variant since 2014: one classified the variant as uncertain significance and one as pathogenic. Based on the evidence outlined above, the variant was classified as likely pathogenic.

Natera, Inc.
Classification: Uncertain significance for Hypophosphatasia. Last evaluated: 2020-08-25. Review status: no assertion criteria provided. Collection method: clinical testing. Allele origin: germline. Not counted in ClinVar's aggregate classification.

Literature cited by the submitters: PubMed 24276437 (cited by 3 submitters); PubMed 32160374 (cited by 3 submitters); PubMed 33549410 (cited by Women's Health and Genetics/Laboratory Corporation of America, LabCorp).

NM_000478.6(ALPL):c.1022A>G (p.His341Arg)

Gene: ALPL (alkaline phosphatase, biomineralization associated; plus strand). Cytogenetic location: 1p36.12.
Variant type: single nucleotide variant.
Coding change: c.1022A>G on transcript NM_000478.6 (MANE Select); coding-DNA position 1022, A replaced by G.
Protein change: p.His341Arg; replaces histidine 341 with arginine.
Molecular consequence: missense variant.
Genome position (GRCh38, 1-based): chr1:21,575,757, A>G. VCF-style: chr1-21575757-A-G. GRCh37 (hg19) VCF-style: chr1-21902250-A-G.
Other names: c.1022A>G (NM_000478.5); c.857A>G, p.His286Arg (NM_001127501.4); c.791A>G, p.His264Arg (NM_001177520.3); c.1022A>G, p.His341Arg (NM_001369803.2, NM_001369804.2, NM_001369805.2); short protein forms H264R, H286R, H341R.
Identifiers: ClinVar variation 1003680 (VCV001003680.14), dbSNP rs1382219911, ClinGen allele CA338881020.